The following is an entry in ClinVar:

ClinVar aggregate classification (germline): Likely benign (0 of 4 stars; one submission).

Conditions:
DYRK1B-related disorder. Also called: DYRK1B-related condition.

gnomAD v4.1: 1 of 1,553,342 alleles (0.000064%); highest among the groups gnomAD compares: Admixed American, 0.0019%; no homozygotes.

Submission:

PreventionGenetics, part of Exact Sciences
Classification: Likely benign for DYRK1B-related condition. Last evaluated: 2021-06-08. Review status: no assertion criteria provided. Collection method: clinical testing. Allele origin: germline.
Comment: This variant is classified as likely benign based on ACMG/AMP sequence variant interpretation guidelines (Richards et al. 2015 PMID: 25741868, with internal and published modifications).

NM_004714.3(DYRK1B):c.1296C>A (p.Arg432=)

Gene: DYRK1B (dual specificity tyrosine phosphorylation regulated kinase 1B; minus strand). Cytogenetic location: 19q13.2.
Variant type: single nucleotide variant.
Coding change: c.1296C>A on transcript NM_004714.3 (MANE Select); coding-DNA position 1296, C replaced by A.
Protein change: p.Arg432=; no amino-acid change (arginine 432 retained).
Molecular consequence: synonymous variant.
Genome position (GRCh38, 1-based): chr19:39,826,787, G>T on the plus strand (C>A on the coding strand, the complement: DYRK1B is on the minus strand). VCF-style: chr19-39826787-G-T. GRCh37 (hg19) VCF-style: chr19-40317427-G-T.
Other names: c.1176C>A, p.Arg392= (NM_006483.3); c.1212C>A, p.Arg404= (NM_006484.3).
Identifiers: ClinVar variation 3357151 (VCV003357151.1).